The following is an entry in ClinVar:

NM_014000.3(VCL):c.1583G>A (p.Arg528His)

Gene: VCL (vinculin; plus strand). Cytogenetic location: 10q22.2.
Variant type: single nucleotide variant.
Coding change: c.1583G>A on transcript NM_014000.3 (MANE Select); coding-DNA position 1583, G replaced by A.
Protein change: p.Arg528His; replaces arginine 528 with histidine.
Molecular consequence: missense variant.
Genome position (GRCh38, 1-based): chr10:74,095,695, G>A. VCF-style: chr10-74095695-G-A. GRCh37 (hg19) VCF-style: chr10-75855453-G-A.
Other names: p.R528H:CGT>CAT; c.1583G>A, p.Arg528His (NM_003373.4); short protein forms R528H.
Identifiers: ClinVar variation 202160 (VCV000202160.15), dbSNP rs746095066, ClinGen allele CA335634.

ClinVar aggregate classification (germline): Uncertain significance. Review status: criteria provided, multiple submitters, no conflicts (2 of 4 stars). 4 submissions from 4 submitters: Uncertain significance (4). Last evaluated 2026-01-24.

Conditions:
Cardiovascular phenotype. Identifiers: MedGen CN230736.
Dilated cardiomyopathy 1W (CMD1W). Identifiers: Orphanet 154, MedGen C1969639, MONDO:0012667, OMIM 611407.
Hypertrophic cardiomyopathy 15. Identifiers: MedGen C2750459, MONDO:0013200, OMIM 613255.

Allele frequency attached by ClinVar (database versions not stated): ExAC 0.00002; gnomAD exomes 0.00002 and 0.00004; TOPMed 0.00002; gnomAD 0.00005.

Submissions (4):

Labcorp Genetics (formerly Invitae), Labcorp
Classification: Uncertain significance for Dilated cardiomyopathy 1W. Last evaluated: 2026-01-24. Review status: criteria provided, single submitter. Criteria: Invitae Variant Classification Sherloc (09022015). Collection method: clinical testing. Allele origin: germline.
Comment: This sequence change replaces arginine, which is basic and polar, with histidine, which is basic and polar, at codon 528 of the VCL protein (p.Arg528His). This variant is present in population databases (rs746095066, gnomAD 0.004%). This variant has not been reported in the literature in individuals affected with VCL-related conditions. ClinVar contains an entry for this variant (Variation ID: 202160). An algorithm developed to predict the effect of missense changes on protein structure and function (PolyPhen-2) suggests that this variant is likely to be disruptive. In summary, the available evidence is currently insufficient to determine the role of this variant in disease. Therefore, it has been classified as a Variant of Uncertain Significance.

GeneDx
Classification: Uncertain significance. Last evaluated: 2025-06-11. Review status: criteria provided, single submitter. Criteria: GeneDx Variant Classification Process June 2021. Collection method: clinical testing. Allele origin: germline. Affected: yes.
Comment: Not observed at significant frequency in large population cohorts (gnomAD); In silico analysis supports that this missense variant has a deleterious effect on protein structure/function; Has not been previously published as pathogenic or benign to our knowledge

Ambry Genetics
Classification: Uncertain significance for Cardiovascular phenotype. Last evaluated: 2025-01-13. Review status: criteria provided, single submitter. Criteria: Ambry Variant Classification Scheme 2023. Collection method: clinical testing. Allele origin: germline.
Comment: The p.R528H variant (also known as c.1583G>A), located in coding exon 12 of the VCL gene, results from a G to A substitution at nucleotide position 1583. The arginine at codon 528 is replaced by histidine, an amino acid with highly similar properties. This amino acid position is conserved. In addition, the in silico prediction for this alteration is inconclusive. Since supporting evidence is limited at this time, the clinical significance of this alteration remains unclear.

Fulgent Genetics
Classification: Uncertain significance for Dilated cardiomyopathy 1W; Hypertrophic cardiomyopathy 15. Last evaluated: 2021-10-13. Review status: criteria provided, single submitter. Criteria: ACMG Guidelines, 2015. Collection method: clinical testing. Allele origin: unknown.